The following is an entry in ClinVar:

NM_006005.3(WFS1):c.594G>A (p.Ala198=)

Gene: WFS1 (wolframin ER transmembrane glycoprotein; plus strand). Cytogenetic location: 4p16.1.
Variant type: single nucleotide variant.
Coding change: c.594G>A on transcript NM_006005.3 (MANE Select); coding-DNA position 594, G replaced by A.
Protein change: p.Ala198=; no amino-acid change (alanine 198 retained).
Molecular consequence: synonymous variant.
Genome position (GRCh38, 1-based): chr4:6,291,330, G>A. VCF-style: chr4-6291330-G-A. GRCh37 (hg19) VCF-style: chr4-6293057-G-A.
Other names: c.594G>A, p.Ala198= (NM_001145853.1).
Identifiers: ClinVar variation 517586 (VCV000517586.18), dbSNP rs563931269, ClinGen allele CA2838945.

ClinVar aggregate classification (germline): Benign/Likely benign. Review status: criteria provided, multiple submitters, no conflicts (2 of 4 stars). 6 submissions from 6 submitters: Benign (2); Likely benign (4). Last evaluated 2026-06-01.

Conditions:
WFS1-related disorder. Identifiers: MedGen CN379391, MONDO:0700293.
Wolfram syndrome 1 (WFS1). Identifiers: Orphanet 3463, MedGen C4551693, MONDO:0009101, OMIM 222300.

Allele frequency attached by ClinVar (database versions not stated): TOPMed 0.00002; gnomAD exomes 0.00015 and 0.00031; ExAC 0.00033; 1000 Genomes Project 30x 0.00109; 1000 Genomes Project 0.00120.

Submissions (6):

PreventionGenetics, part of Exact Sciences
Classification: Likely benign for WFS1-related condition. Last evaluated: 2026-06-01. Review status: criteria provided, single submitter. Criteria: ACMG Guidelines, 2015. Collection method: clinical testing. Allele origin: germline.
Comment: This variant is classified as likely benign based on ACMG/AMP sequence variant interpretation guidelines (Richards et al. 2015 PMID: 25741868, with internal and published modifications).

Labcorp Genetics (formerly Invitae), Labcorp
Classification: Benign. Last evaluated: 2025-11-17. Review status: criteria provided, single submitter. Criteria: Invitae Variant Classification Sherloc (09022015). Collection method: clinical testing. Allele origin: germline.

Blueprint Genetics
Classification: Likely benign. Last evaluated: 2024-04-25. Review status: criteria provided, single submitter. Criteria: ACMG Guidelines, 2015. Collection method: clinical testing. Allele origin: germline.

GeneDx
Classification: Likely benign. Last evaluated: 2021-10-16. Review status: criteria provided, single submitter. Criteria: GeneDx Variant Classification Process June 2021. Collection method: clinical testing. Allele origin: germline. Affected: yes.

Laboratory for Molecular Medicine, Mass General Brigham Personalized Medicine
Classification: Likely benign. Last evaluated: 2017-12-14. Review status: criteria provided, single submitter. Criteria: LMM Criteria. Collection method: clinical testing. Allele origin: germline. Observed: 1 variant allele.
Comment: p.Ala198Ala in exon 5 of WFS1: This variant is not expected to have clinical sig nificance because it does not alter an amino acid residue and is not located wit hin the splice consensus sequence. It has been identified in 0.23% (71/30776) of South Asian chromosomes by the Genome Aggregation Database (gnomAD; dbSNP rs563931269).

Clinical Genomics, Uppaluri K&H Personalized Medicine Clinic
Classification: Benign for Wolfram syndrome 1. Review status: criteria provided, single submitter. Criteria: K & H Uppaluri Personalized Medicine Clinic Variant Classification & Assertion Criteria_Updated V.1. Collection method: research. Allele origin: unknown. Inheritance: Autosomal recessive inheritance.
Comment: Potent mutations in WFS1 gene are associated with Wolfram's syndrome, an autosomal recessive condition, which cause diabetes mellitus, diabetes insipidus, deafness and optic atrophy. However no sufficient evidence is found to ascertain the role of this particular variant rs563931269 in Wolfram's syndrome yet.

Literature cited by the submitters: PubMed 20738327 (cited by Clinical Genomics, Uppaluri K&H Personalized Medicine Clinic); PubMed 33879153 (cited by Clinical Genomics, Uppaluri K&H Personalized Medicine Clinic); PubMed 12955714 (cited by Clinical Genomics, Uppaluri K&H Personalized Medicine Clinic); PubMed 18060660 (cited by Clinical Genomics, Uppaluri K&H Personalized Medicine Clinic); PubMed 20301750 (cited by Clinical Genomics, Uppaluri K&H Personalized Medicine Clinic); PubMed 17603484 (cited by Clinical Genomics, Uppaluri K&H Personalized Medicine Clinic).